The following is an entry in ClinVar:

ClinVar aggregate classification (germline): Likely benign (0 of 4 stars; one submission).

Conditions:
PHIP-related disorder. Also called: PHIP-related condition; PHIP-related disorders.

Submission:

PreventionGenetics, part of Exact Sciences
Classification: Likely benign for PHIP-related condition. Last evaluated: 2023-10-04. Review status: no assertion criteria provided. Collection method: clinical testing. Allele origin: germline.
Comment: This variant is classified as likely benign based on ACMG/AMP sequence variant interpretation guidelines (Richards et al. 2015 PMID: 25741868, with internal and published modifications).

NM_017934.7(PHIP):c.858A>C (p.Leu286=)

Gene: PHIP (PHIP subunit of CUL4-Ring ligase complex; minus strand). Cytogenetic location: 6q14.1.
Variant type: single nucleotide variant.
Coding change: c.858A>C on transcript NM_017934.7 (MANE Select); coding-DNA position 858, A replaced by C.
Protein change: p.Leu286=; no amino-acid change (leucine 286 retained).
Molecular consequence: synonymous variant.
Genome position (GRCh38, 1-based): chr6:79,025,584, T>G on the plus strand (A>C on the coding strand, the complement: PHIP is on the minus strand). VCF-style: chr6-79025584-T-G. GRCh37 (hg19) VCF-style: chr6-79735301-T-G.
Identifiers: ClinVar variation 3349965 (VCV003349965.1).
Genomic context (GRCh38, chr6:79,025,584, plus strand): 5'-TTTAAGGGTTCCAGCATCCCAGAGCCAAAAACAAATAGTGCCATCTGCCCCAGTAGAAGA[T>G]AGATATCTCTTTGAGCCACTGCACAATGGTGAGAACTGAAAAGACAATCACAGAAAAAAA-3'
Protein context (NP_060404.4, residues 276-296): SPLCSGSKRY[Leu286=]SSTGADGTIC